The following is an entry in ClinVar:

ClinVar aggregate classification (germline): Uncertain significance. Review status: criteria provided, multiple submitters, no conflicts (2 of 4 stars). 2 submissions from 2 submitters: Uncertain significance (2). Last evaluated 2023-01-22.

Conditions:
Hereditary cancer-predisposing syndrome. Also called: Neoplastic Syndromes, Hereditary; Tumor predisposition; Hereditary neoplastic syndrome; Hereditary Cancer Syndrome. Identifiers: Orphanet 140162, MedGen C0027672, MeSH D009386, MONDO:0015356.
Colorectal cancer, susceptibility to, 12 (CRCS12). Also called: COLORECTAL CANCER, SUSCEPTIBILITY TO, ON CHROMOSOME 12q24. Identifiers: Orphanet 220460, MedGen C3554460, MONDO:0014038, OMIM 615083.

Submissions (2):

Ambry Genetics
Classification: Uncertain significance for Hereditary cancer-predisposing syndrome. Last evaluated: 2023-01-22. Review status: criteria provided, single submitter. Criteria: Ambry Variant Classification Scheme 2023. Collection method: clinical testing. Allele origin: germline.
Comment: The p.N751K variant (also known as c.2253C>G), located in coding exon 20 of the POLE gene, results from a C to G substitution at nucleotide position 2253. The asparagine at codon 751 is replaced by lysine, an amino acid with similar properties. This amino acid position is conserved. In addition, this alteration is predicted to be tolerated by in silico analysis. Since supporting evidence is limited at this time, the clinical significance of this alteration remains unclear.

Labcorp Genetics (formerly Invitae), Labcorp
Classification: Uncertain significance for Colorectal cancer, susceptibility to, 12. Last evaluated: 2021-08-24. Review status: criteria provided, single submitter. Criteria: Invitae Variant Classification Sherloc (09022015). Collection method: clinical testing. Allele origin: germline.
Comment: This sequence change replaces asparagine with lysine at codon 751 of the POLE protein (p.Asn751Lys). The asparagine residue is highly conserved and there is a moderate physicochemical difference between asparagine and lysine. This variant is not present in population databases (ExAC no frequency). This variant has not been reported in the literature in individuals affected with POLE-related conditions. Algorithms developed to predict the effect of missense changes on protein structure and function (SIFT, PolyPhen-2, Align-GVGD) all suggest that this variant is likely to be disruptive. In summary, the available evidence is currently insufficient to determine the role of this variant in disease. Therefore, it has been classified as a Variant of Uncertain Significance.

NM_006231.4(POLE):c.2253C>G (p.Asn751Lys)

Gene: POLE (DNA polymerase epsilon, catalytic subunit; minus strand). Cytogenetic location: 12q24.33.
Variant type: single nucleotide variant.
Coding change: c.2253C>G on transcript NM_006231.4 (MANE Select); coding-DNA position 2253, C replaced by G.
Protein change: p.Asn751Lys; replaces asparagine 751 with lysine.
Molecular consequence: missense variant.
Genome position (GRCh38, 1-based): chr12:132,667,569, G>C on the plus strand (C>G on the coding strand, the complement: POLE is on the minus strand). VCF-style: chr12-132667569-G-C. GRCh37 (hg19) VCF-style: chr12-133244155-G-C.
Other names: c.2253C>G (NM_006231.2); short protein forms N751K.
Identifiers: ClinVar variation 1365782 (VCV001365782.6), dbSNP rs1239144686, ClinGen allele CA387352206.
Genomic context (GRCh38, chr12:132,667,569, plus strand): 5'-GAGCCCTTTGAACTCGTAACGCCTGTCCCGGAAGGCACGCACGGTGTCCACGTAGAAGGA[G>C]TTTTCCCGCTGGCAGATGGTGGTGAGACGCTCTTCCACCTTGGTGATGTGGATCTTCTTG-3'
Protein context (NP_006222.2, residues 741-761): ERLTTICQRE[Asn751Lys]SFYVDTVRAF